The following is an entry in ClinVar:

ClinVar aggregate classification (germline): Pathogenic (1 of 4 stars; one submission).

Conditions:
Early-infantile DEE. Also called: Ohtahara syndrome; Early infantile epileptic encephalopathy with suppression bursts; Early infantile epileptic encephalopathy. Identifiers: Orphanet 1934, MedGen C0393706, MONDO:0800491.

Submission:

Labcorp Genetics (formerly Invitae), Labcorp
Classification: Pathogenic for Early-infantile DEE. Last evaluated: 2022-09-12. Review status: criteria provided, single submitter. Criteria: Invitae Variant Classification Sherloc (09022015). Collection method: clinical testing. Allele origin: germline.
Comment: This sequence change creates a premature translational stop signal (p.Gln344*) in the SCN1A gene. It is expected to result in an absent or disrupted protein product. Loss-of-function variants in SCN1A are known to be pathogenic (PMID: 17347258, 18930999). This variant is not present in population databases (gnomAD no frequency). This variant has not been reported in the literature in individuals affected with SCN1A-related conditions. For these reasons, this variant has been classified as Pathogenic.

Literature cited by the submitters: PubMed 17347258; PubMed 18930999.

NM_001165963.4(SCN1A):c.1030C>T (p.Gln344Ter)

Gene: SCN1A (sodium voltage-gated channel alpha subunit 1; minus strand). Cytogenetic location: 2q24.3.
Variant type: single nucleotide variant.
Coding change: c.1030C>T on transcript NM_001165963.4 (MANE Select); coding-DNA position 1030, C replaced by T.
Protein change: p.Gln344Ter; replaces glutamine 344 with a stop codon.
Molecular consequence: nonsense. On other transcripts: 5 prime UTR variant (1), non-coding transcript variant (1).
Genome position (GRCh38, 1-based): chr2:166,047,767, G>A on the plus strand (C>T on the coding strand, the complement: SCN1A is on the minus strand). VCF-style: chr2-166047767-G-A. GRCh37 (hg19) VCF-style: chr2-166904277-G-A.
Other names: c.1030C>T, p.Gln344Ter (NM_001165964.3, NM_001202435.3, NM_001353948.2 and 10 more transcripts); c.-1396C>T (NM_001353961.2); short protein forms Q344*.
Identifiers: ClinVar variation 2030084 (VCV002030084.4), dbSNP rs2468190724, ClinGen allele CA349071475.
Genomic context (GRCh38, chr2:166,047,767, plus strand): 5'-TTGTGTAGCCATAATTGGGATTTCTACCAGCTTTCACACACATATATCCCTCTGGACATT[G>A]GCTGCAAGTGGGGTAAAAGAAAGTATTACAAGTCGTTCTGCTGCCTTTTTACTCTGATAC-3'